The following is an entry in ClinVar:

ClinVar aggregate classification (germline): Likely benign. Review status: criteria provided, multiple submitters, no conflicts (2 of 4 stars). 5 submissions from 5 submitters: Likely benign (3). 2 of the submissions do not count toward it. Last evaluated 2025-12-01.

Conditions:
FAH-related disorder. Also called: FAH-related condition.
Tyrosinemia type I (TYRSN1). Also called: Tyrosinemia type 1; Fumarylacetoacetase deficiency; Deficiency of fumarylacetoacetase; FAH DEFICIENCY; HEPATORENAL TYROSINEMIA. Identifiers: Orphanet 882, MedGen C0268490, MONDO:0010161, OMIM 276700. Disease mechanism: loss of function.

Allele frequency attached by ClinVar (database versions not stated): ExAC 0.00002; gnomAD 0.00003 and 0.00004; TOPMed 0.00004.
gnomAD v4.1: 36 of 1,610,494 alleles (0.0022%); highest among the groups gnomAD compares: Non-Finnish European, 0.0031%; no homozygotes.

Submissions (5):

Labcorp Genetics (formerly Invitae), Labcorp
Classification: Likely benign for Tyrosinemia type I. Last evaluated: 2025-12-01. Review status: criteria provided, single submitter. Criteria: Invitae Variant Classification Sherloc (09022015). Collection method: clinical testing. Allele origin: germline.

Blueprint Genetics
Classification: Likely benign. Last evaluated: 2024-10-08. Review status: criteria provided, single submitter. Criteria: ACMG Guidelines, 2015. Collection method: clinical testing. Allele origin: germline.

GeneDx
Classification: Likely benign. Last evaluated: 2016-03-11. Review status: criteria provided, single submitter. Criteria: GeneDx Variant Classification (06012015). Collection method: clinical testing. Allele origin: germline. Affected: yes.
Comment: This variant is considered likely benign or benign based on one or more of the following criteria: it is a conservative change, it occurs at a poorly conserved position in the protein, it is predicted to be benign by multiple in silico algorithms, and/or has population frequency not consistent with disease.

PreventionGenetics, part of Exact Sciences
Classification: Likely benign for FAH-related condition. Last evaluated: 2023-10-23. Review status: no assertion criteria provided. Collection method: clinical testing. Allele origin: germline. Not counted in ClinVar's aggregate classification.
Comment: This variant is classified as likely benign based on ACMG/AMP sequence variant interpretation guidelines (Richards et al. 2015 PMID: 25741868, with internal and published modifications).

Natera, Inc.
Classification: Likely benign for Tyrosinemia type I. Last evaluated: 2020-09-16. Review status: no assertion criteria provided. Collection method: clinical testing. Allele origin: germline. Not counted in ClinVar's aggregate classification.

NM_000137.4(FAH):c.975G>C (p.Thr325=)

Gene: FAH (fumarylacetoacetate hydrolase; plus strand). Cytogenetic location: 15q25.1.
Variant type: single nucleotide variant.
Coding change: c.975G>C on transcript NM_000137.4 (MANE Select); coding-DNA position 975, G replaced by C.
Protein change: p.Thr325=; no amino-acid change (threonine 325 retained).
Molecular consequence: synonymous variant.
Genome position (GRCh38, 1-based): chr15:80,180,138, G>C. VCF-style: chr15-80180138-G-C. GRCh37 (hg19) VCF-style: chr15-80472480-G-C.
Other names: c.975G>C, p.Thr325= (NM_001374377.1, NM_001374380.1).
Identifiers: ClinVar variation 383908 (VCV000383908.13), dbSNP rs776473288, ClinGen allele CA7691430.